The following is an entry in ClinVar:

NM_014921.5(ADGRL1):c.3029T>C (p.Ile1010Thr)

Genes: ADGRL1 (adhesion G protein-coupled receptor L1; minus strand), ADGRL1-AS1 (ADGRL1 antisense RNA 1; plus strand). Cytogenetic location: 19p13.12.
Variant type: single nucleotide variant.
Coding change: c.3029T>C on transcript NM_014921.5 (MANE Select); coding-DNA position 3029, T replaced by C.
Protein change: p.Ile1010Thr; replaces isoleucine 1010 with threonine.
Molecular consequence: missense variant.
Genome position (GRCh38, 1-based): chr19:14,156,662, A>G on the plus strand (T>C on the coding strand, the complement: ADGRL1 is on the minus strand). VCF-style: chr19-14156662-A-G. GRCh37 (hg19) VCF-style: chr19-14267474-A-G.
Other names: c.3044T>C, p.Ile1015Thr (NM_001008701.3); short protein forms I1010T, I1015T.
Identifiers: ClinVar variation 3768927 (VCV003768927.1).

ClinVar aggregate classification (germline): Uncertain significance (1 of 4 stars; one submission).

gnomAD v4.1: 5 of 1,611,106 alleles (0.00031%); highest among the groups gnomAD compares: Admixed American, 0.0033%; no homozygotes.

Submission:

Women's Health and Genetics/Laboratory Corporation of America, LabCorp
Classification: Uncertain significance. Last evaluated: 2025-02-19. Review status: criteria provided, single submitter. Criteria: LabCorp Variant Classification Summary - May 2015. Collection method: clinical testing. Allele origin: germline.
Comment: Variant summary: ADGRL1 c.3044T>C (p.Ile1015Thr) results in a non-conservative amino acid change in the encoded protein sequence. Four of five in-silico tools predict a damaging effect of the variant on protein function. The variant was absent in 246734 control chromosomes. The available data on variant occurrences in the general population are insufficient to allow any conclusion about variant significance. To our knowledge, no occurrence of c.3044T>C in individuals affected with Developmental Delay, Behavioral Abnormalities, And Neuropsychiatric Disorders and no experimental evidence demonstrating its impact on protein function have been reported. No submitters have cited clinical-significance assessments for this variant to ClinVar. Based on the evidence outlined above, the variant was classified as uncertain significance.